The following is an entry in ClinVar:

ClinVar aggregate classification (germline): Likely benign. Review status: criteria provided, single submitter (1 of 4 stars). 2 submissions from 2 submitters: Likely benign (1). 1 of the submissions does not count toward it. Last evaluated 2026-01-09.

Conditions:
Bardet-Biedl syndrome (BBS). Identifiers: Orphanet 110, MedGen C0752166, MONDO:0015229.
TRIM32-related disorder. Also called: TRIM32-related condition.

Allele frequency attached by ClinVar (database versions not stated): gnomAD exomes below 0.00001; gnomAD 0.00001; TOPMed 0.00001.
gnomAD v4.1: 5 of 1,614,078 alleles (0.00031%); highest among the groups gnomAD compares: African/African-American, 0.0013%; no homozygotes.

Submissions (2):

Labcorp Genetics (formerly Invitae), Labcorp
Classification: Likely benign for Bardet-Biedl syndrome. Last evaluated: 2026-01-09. Review status: criteria provided, single submitter. Criteria: Invitae Variant Classification Sherloc (09022015). Collection method: clinical testing. Allele origin: germline.

PreventionGenetics, part of Exact Sciences
Classification: Likely benign for TRIM32-related condition. Last evaluated: 2023-02-02. Review status: no assertion criteria provided. Collection method: clinical testing. Allele origin: germline. Not counted in ClinVar's aggregate classification.
Comment: This variant is classified as likely benign based on ACMG/AMP sequence variant interpretation guidelines (Richards et al. 2015 PMID: 25741868, with internal and published modifications).

NM_012210.4(TRIM32):c.1461T>C (p.Asp487=)

Genes: ASTN2 (astrotactin 2; minus strand), TRIM32 (tripartite motif containing 32; plus strand). Cytogenetic location: 9q33.1.
Variant type: single nucleotide variant.
Coding change: c.1461T>C on transcript NM_012210.4 (MANE Select); coding-DNA position 1461, T replaced by C.
Protein change: p.Asp487=; no amino-acid change (aspartic acid 487 retained).
Molecular consequence: synonymous variant. On other transcripts: intron variant (3).
Genome position (GRCh38, 1-based): chr9:116,699,203, T>C. VCF-style: chr9-116699203-T-C. GRCh37 (hg19) VCF-style: chr9-119461482-T-C.
Other names: c.1461T>C, p.Asp487= (NM_001099679.2, NM_001379048.1, NM_001379049.1 and 1 more transcripts); c.2653+26568A>G (NM_014010.5); c.2794+26568A>G (NM_001365069.1); c.2806+26568A>G (NM_001365068.1).
Identifiers: ClinVar variation 1108636 (VCV001108636.10), dbSNP rs922859943, ClinGen allele CA198770967.